The following is an entry in ClinVar:

NM_015065.3(EXPH5):c.5029G>C (p.Val1677Leu)

Gene: EXPH5 (exophilin 5; minus strand). Cytogenetic location: 11q22.3.
Variant type: single nucleotide variant.
Coding change: c.5029G>C on transcript NM_015065.3 (MANE Select); coding-DNA position 5029, G replaced by C.
Protein change: p.Val1677Leu; replaces valine 1677 with leucine.
Molecular consequence: missense variant.
Genome position (GRCh38, 1-based): chr11:108,510,478, C>G on the plus strand (G>C on the coding strand, the complement: EXPH5 is on the minus strand). VCF-style: chr11-108510478-C-G. GRCh37 (hg19) VCF-style: chr11-108381205-C-G.
Other names: c.4801G>C, p.Val1601Leu (NM_001144763.2); c.4561G>C, p.Val1521Leu (NM_001144764.2); c.4465G>C, p.Val1489Leu (NM_001144765.2); c.5008G>C, p.Val1670Leu (NM_001308019.2); short protein forms V1489L, V1670L, V1521L, V1677L, V1601L.
Identifiers: ClinVar variation 2716569 (VCV002716569.3), dbSNP rs2548143208, ClinGen allele CA382541687.
Genomic context (GRCh38, chr11:108,510,478, plus strand): 5'-GTGAAATGCTGTTAGACTTCTGGTTGCTGACGTGTGTAGAAGGTTCTCTGTTGGGTAGTA[C>G]AGTAATGGGGAGAAGGTTCTCGGATTTCTTCACATGCTTTCCGTTCTCACTCAACCTGCT-3'
Protein context (NP_055880.2, residues 1667-1687): KKSENLLPIT[Val1677Leu]LPNREPSTHV

ClinVar aggregate classification (germline): Uncertain significance (1 of 4 stars; one submission).

Submission:

Labcorp Genetics (formerly Invitae), Labcorp
Classification: Uncertain significance. Last evaluated: 2023-09-25. Review status: criteria provided, single submitter. Criteria: Invitae Variant Classification Sherloc (09022015). Collection method: clinical testing. Allele origin: germline.
Comment: This variant has not been reported in the literature in individuals affected with EXPH5-related conditions. In summary, the available evidence is currently insufficient to determine the role of this variant in disease. Therefore, it has been classified as a Variant of Uncertain Significance. Algorithms developed to predict the effect of missense changes on protein structure and function output the following: SIFT: "Not Available"; PolyPhen-2: "Benign"; Align-GVGD: "Not Available". The leucine amino acid residue is found in multiple mammalian species, which suggests that this missense change does not adversely affect protein function. This variant is not present in population databases (gnomAD no frequency). This sequence change replaces valine, which is neutral and non-polar, with leucine, which is neutral and non-polar, at codon 1677 of the EXPH5 protein (p.Val1677Leu).